The following is an entry in ClinVar:

ClinVar aggregate classification (germline): Conflicting classifications of pathogenicity. Review status: criteria provided, conflicting classifications (1 of 4 stars). 2 submissions from 2 submitters: Uncertain significance (1); Likely benign (1). Last evaluated 2022-02-03.

Conditions:
Inborn genetic diseases. Identifiers: MedGen C0950123, MeSH D030342.

Allele frequency attached by ClinVar (database versions not stated): TOPMed 0.00002; gnomAD 0.00003; gnomAD exomes 0.00006.
gnomAD v4.1: 97 of 1,551,558 alleles (0.0063%); highest among the groups gnomAD compares: Non-Finnish European, 0.0078%; no homozygotes.

Submissions (2):

Labcorp Genetics (formerly Invitae), Labcorp
Classification: Uncertain significance. Last evaluated: 2022-02-03. Review status: criteria provided, single submitter. Criteria: Invitae Variant Classification Sherloc (09022015). Collection method: clinical testing. Allele origin: germline.
Comment: This sequence change replaces phenylalanine, which is neutral and non-polar, with leucine, which is neutral and non-polar, at codon 2863 of the EYS protein (p.Phe2863Leu). This variant is present in population databases (no rsID available, gnomAD 0.004%). This variant has not been reported in the literature in individuals affected with EYS-related conditions. Algorithms developed to predict the effect of missense changes on protein structure and function output the following: SIFT: "Tolerated"; PolyPhen-2: "Benign"; Align-GVGD: "Class C0". The leucine amino acid residue is found in multiple mammalian species, which suggests that this missense change does not adversely affect protein function. In summary, the available evidence is currently insufficient to determine the role of this variant in disease. Therefore, it has been classified as a Variant of Uncertain Significance.

Ambry Genetics
Classification: Likely benign for Inborn genetic diseases. Last evaluated: 2021-12-20. Review status: criteria provided, single submitter. Criteria: Ambry Variant Classification Scheme 2023. Collection method: clinical testing. Allele origin: germline.

NM_001142800.2(EYS):c.8587T>C (p.Phe2863Leu)

Genes: EYS (eyes shut homolog; minus strand), PHF3 (PHD finger protein 3; plus strand). Cytogenetic location: 6q12.
Variant type: single nucleotide variant.
Coding change: c.8587T>C on transcript NM_001142800.2 (MANE Select); coding-DNA position 8587, T replaced by C.
Protein change: p.Phe2863Leu; replaces phenylalanine 2863 with leucine.
Molecular consequence: missense variant. On other transcripts: 3 prime UTR variant (5).
Genome position (GRCh38, 1-based): chr6:63,721,444, A>G on the plus strand (T>C on the coding strand, the complement: EYS is on the minus strand). VCF-style: chr6-63721444-A-G. GRCh37 (hg19) VCF-style: chr6-64431340-A-G.
Other names: c.*7736A>G (NM_001290259.2, NM_001370348.2, NM_001370349.2 and 2 more transcripts); c.8650T>C, p.Phe2884Leu (NM_001292009.2); short protein forms F2884L, F2863L.
Identifiers: ClinVar variation 2153119 (VCV002153119.2), dbSNP rs1044679782, ClinGen allele CA140236842.